The following is an entry in ClinVar:

NM_000969.5(RPL5):c.408T>C (p.Asp136=)

Genes: DIPK1A (divergent protein kinase domain 1A; minus strand), RPL5 (ribosomal protein L5; plus strand). Cytogenetic location: 1p22.1.
Variant type: single nucleotide variant.
Coding change: c.408T>C on transcript NM_000969.5 (MANE Select); coding-DNA position 408, T replaced by C.
Protein change: p.Asp136=; no amino-acid change (aspartic acid 136 retained).
Molecular consequence: synonymous variant. On other transcripts: non-coding transcript variant (1), intron variant (1).
Genome position (GRCh38, 1-based): chr1:92,836,273, T>C. VCF-style: chr1-92836273-T-C. GRCh37 (hg19) VCF-style: chr1-93301830-T-C.
Other names: c.408T>C (NM_000969.3); c.475-3239A>G (NM_001252273.2).
Identifiers: ClinVar variation 1169736 (VCV001169736.13), dbSNP rs142297836, ClinGen allele CA952460.

ClinVar aggregate classification (germline): Benign/Likely benign. Review status: criteria provided, multiple submitters, no conflicts (2 of 4 stars). 4 submissions from 4 submitters: Benign (1); Likely benign (2). 1 of the submissions does not count toward it. Last evaluated 2024-12-24.

Conditions:
RPL5-related disorder. Also called: RPL5-related condition.
Diamond-Blackfan anemia. Also called: Blackfan Diamond syndrome; Aregenerative anemia chronic congenital; Red cell aplasia, pure hereditary; Congenital hypoplastic anemia; Aase syndrome. Identifiers: Orphanet 124, MedGen C1260899, MeSH D029503, MONDO:0015253, HP:0004810.
Diamond-Blackfan anemia 6 (DBA6). Also called: RPL5-Related Diamond-Blackfan Anemia. Identifiers: Orphanet 124, MedGen C2931850, MONDO:0012937, OMIM 612561.

Allele frequency attached by ClinVar (database versions not stated): gnomAD exomes 0.00002 and 0.00006; ExAC 0.00008; gnomAD 0.00021 and 0.00024; TOPMed 0.00029; ESP Exome Variant Server 0.00062.
gnomAD v4.1: 66 of 1,614,016 alleles (0.0041%); highest among the groups gnomAD compares: African/African-American, 0.073%; no homozygotes.

Submissions (4):

Labcorp Genetics (formerly Invitae), Labcorp
Classification: Benign for Diamond-Blackfan anemia. Last evaluated: 2024-12-24. Review status: criteria provided, single submitter. Criteria: Invitae Variant Classification Sherloc (09022015). Collection method: clinical testing. Allele origin: germline.

Blueprint Genetics
Classification: Likely benign. Last evaluated: 2024-10-08. Review status: criteria provided, single submitter. Criteria: ACMG Guidelines, 2015. Collection method: clinical testing. Allele origin: germline.

Fulgent Genetics
Classification: Likely benign for Diamond-Blackfan anemia 6. Last evaluated: 2022-04-26. Review status: criteria provided, single submitter. Criteria: ACMG Guidelines, 2015. Collection method: clinical testing. Allele origin: unknown.

PreventionGenetics, part of Exact Sciences
Classification: Likely benign for RPL5-related condition. Last evaluated: 2019-03-27. Review status: no assertion criteria provided. Collection method: clinical testing. Allele origin: germline. Not counted in ClinVar's aggregate classification.
Comment: This variant is classified as likely benign based on ACMG/AMP sequence variant interpretation guidelines (Richards et al. 2015 PMID: 25741868, with internal and published modifications).